The following is an entry in ClinVar:

NM_000152.5(GAA):c.1952G>T (p.Gly651Val)

Gene: GAA (alpha glucosidase; plus strand). Cytogenetic location: 17q25.3.
Variant type: single nucleotide variant.
Coding change: c.1952G>T on transcript NM_000152.5 (MANE Select); coding-DNA position 1952, G replaced by T.
Protein change: p.Gly651Val; replaces glycine 651 with valine.
Molecular consequence: missense variant.
Genome position (GRCh38, 1-based): chr17:80,112,939, G>T. VCF-style: chr17-80112939-G-T. GRCh37 (hg19) VCF-style: chr17-78086738-G-T.
Other names: c.1952G>T (LRG_673t1); c.1952G>T, p.Gly651Val (NM_001079803.3, NM_001079804.3); short protein forms G651V.
Identifiers: ClinVar variation 633224 (VCV000633224.5), dbSNP rs939350425, ClinGen allele CA401369943.

ClinVar aggregate classification (germline): Uncertain significance. Review status: criteria provided, multiple submitters, no conflicts (2 of 4 stars). 2 submissions from 2 submitters: Uncertain significance (2). Last evaluated 2021-06-29.

gnomAD v4.1: 1 of 1,610,642 alleles (0.000062%); highest among the groups gnomAD compares: Non-Finnish European, 0.000085%; no homozygotes.

Submissions (2):

Genetic Services Laboratory, University of Chicago
Classification: Uncertain significance. Last evaluated: 2021-06-29. Review status: criteria provided, single submitter. Criteria: ACMG Guidelines, 2015. Collection method: clinical testing. Allele origin: germline. Affected: no.

Women's Health and Genetics/Laboratory Corporation of America, LabCorp
Classification: Uncertain significance. Last evaluated: 2018-03-20. Review status: criteria provided, single submitter. Criteria: LabCorp Variant Classification Summary - May 2015. Collection method: clinical testing. Allele origin: germline.
Comment: Variant summary: GAA c.1952G>T (p.Gly651Val) results in a non-conservative amino acid change in the encoded protein sequence. Four of five in-silico tools predict a damaging effect of the variant on protein function. The variant was absent in 90606 control chromosomes (ExAC). The available data on variant occurrences in the general population are insufficient to allow any conclusion about variant significance. To our knowledge, no occurrence of c.1952G>T in individuals affected with Glycogen Storage Disease, Type 2 (Pompe Disease) and no experimental evidence demonstrating its impact on protein function have been reported. No clinical diagnostic laboratories have submitted clinical-significance assessments for this variant to ClinVar after 2014. Based on the evidence outlined above, the variant was classified as uncertain significance.